The following is an entry in ClinVar:

ClinVar aggregate classification (germline): Uncertain significance. Review status: criteria provided, multiple submitters, no conflicts (2 of 4 stars). 2 submissions from 2 submitters: Uncertain significance (2). Last evaluated 2026-04-01.

Allele frequency attached by ClinVar (database versions not stated): ExAC 0.00003; gnomAD 0.00001 and 0.00002; TOPMed 0.00001; gnomAD exomes 0.00001.
gnomAD v4.1: 33 of 1,610,416 alleles (0.002%); highest among the groups gnomAD compares: African/African-American, 0.0027%; no homozygotes.

Submissions (2):

GeneDx
Classification: Uncertain significance. Last evaluated: 2026-04-01. Review status: criteria provided, single submitter. Criteria: GeneDx Variant Classification Process June 2021. Collection method: clinical testing. Allele origin: germline.
Comment: Not observed at significant frequency in large population cohorts (gnomAD); In silico analysis suggests that this missense variant does not alter protein structure/function; Has not been previously published as pathogenic or benign to our knowledge

Labcorp Genetics (formerly Invitae), Labcorp
Classification: Uncertain significance. Last evaluated: 2022-03-17. Review status: criteria provided, single submitter. Criteria: Invitae Variant Classification Sherloc (09022015). Collection method: clinical testing. Allele origin: germline.
Comment: In summary, the available evidence is currently insufficient to determine the role of this variant in disease. Therefore, it has been classified as a Variant of Uncertain Significance. Algorithms developed to predict the effect of missense changes on protein structure and function are either unavailable or do not agree on the potential impact of this missense change (SIFT: "Deleterious"; PolyPhen-2: "Probably Damaging"; Align-GVGD: "Class C0"). ClinVar contains an entry for this variant (Variation ID: 959976). This variant has not been reported in the literature in individuals affected with WHRN-related conditions. This variant is present in population databases (rs762342970, gnomAD 0.007%). This sequence change replaces alanine, which is neutral and non-polar, with threonine, which is neutral and polar, at codon 852 of the WHRN protein (p.Ala852Thr).

NM_015404.4(WHRN):c.2554G>A (p.Ala852Thr)

Gene: WHRN (whirlin; minus strand). Cytogenetic location: 9q32.
Variant type: single nucleotide variant.
Coding change: c.2554G>A on transcript NM_015404.4 (MANE Select); coding-DNA position 2554, G replaced by A.
Protein change: p.Ala852Thr; replaces alanine 852 with threonine.
Molecular consequence: missense variant.
Genome position (GRCh38, 1-based): chr9:114,402,924, C>T on the plus strand (G>A on the coding strand, the complement: WHRN is on the minus strand). VCF-style: chr9-114402924-C-T. GRCh37 (hg19) VCF-style: chr9-117165204-C-T.
Other names: c.1405G>A, p.Ala469Thr (NM_001083885.3); c.2551G>A, p.Ala851Thr (NM_001173425.2); c.1501G>A, p.Ala501Thr (NM_001346890.1); c.2554G>A (NM_015404.2); short protein forms A469T, A501T, A852T, A851T.
Identifiers: ClinVar variation 959976 (VCV000959976.8), dbSNP rs762342970, ClinGen allele CA5205581.